The following is an entry in ClinVar:

ClinVar aggregate classification (germline): Uncertain significance (1 of 4 stars; one submission).

Conditions:
Galloway-Mowat syndrome 2, X-linked. Identifiers: MedGen C4538784, MONDO:0033006, OMIM 301006.

Submission:

Juno Genomics, Hangzhou Juno Genomics, Inc
Classification: Uncertain significance for Galloway-Mowat syndrome 2, X-linked. Review status: criteria provided, single submitter. Criteria: ACMG Guidelines, 2015. Collection method: clinical testing. Allele origin: germline.
Comment: Absent from controls (or at extremely low frequency if recessive) in Genome Aggregation Database.

NM_006014.5(LAGE3):c.67_89del (p.Cys23fs)

Genes: LAGE3 (L antigen family member 3; minus strand), LOC130068876 (ATAC-STARR-seq lymphoblastoid silent region 21109; plus strand). Cytogenetic location: Xq28.
Variant type: Deletion.
Coding change: c.67_89del on transcript NM_006014.5 (MANE Select); coding-DNA positions 67 to 89, 23 bases deleted (TGCCGCGGGGGCGTGGACACAGC).
Protein change: p.Cys23fs; shifts the reading frame from cysteine 23.
Molecular consequence: frameshift variant.
Genome position (GRCh38, 1-based): chrX:154,478,827-154,478,849, GCTGTGTCCACGCCCCCGCGGCA deleted on the plus strand (TGCCGCGGGGGCGTGGACACAGC on the coding strand, the reverse complement: LAGE3 is on the minus strand); deleting any 23 consecutive bases within chrX:154,478,827-154,478,855 gives the same sequence; the c. name uses the placement nearest the transcript's 3' end. VCF-style (leftmost placement, unchanged base first): chrX-154478826-GGCTGTGTCCACGCCCCCGCGGCA-G. GRCh37 (hg19) VCF-style: chrX-153707165-GGCTGTGTCCACGCCCCCGCGGCA-G.
Other names: short protein forms C23fs.
Identifiers: ClinVar variation 5007537 (VCV005007537.2).